The following is an entry in ClinVar:

NM_032444.4(SLX4):c.2418G>T (p.Glu806Asp)

Gene: SLX4 (SLX4 structure-specific endonuclease subunit; minus strand). Cytogenetic location: 16p13.3.
Variant type: single nucleotide variant.
Coding change: c.2418G>T on transcript NM_032444.4 (MANE Select); coding-DNA position 2418, G replaced by T.
Protein change: p.Glu806Asp; replaces glutamic acid 806 with aspartic acid.
Molecular consequence: missense variant.
Genome position (GRCh38, 1-based): chr16:3,591,220, C>A on the plus strand (G>T on the coding strand, the complement: SLX4 is on the minus strand). VCF-style: chr16-3591220-C-A. GRCh37 (hg19) VCF-style: chr16-3641221-C-A.
Other names: short protein forms E806D.
Identifiers: ClinVar variation 1461821 (VCV001461821.8), dbSNP rs2151125944, ClinGen allele CA394523957.

ClinVar aggregate classification (germline): Uncertain significance (1 of 4 stars; one submission).

Conditions:
Fanconi anemia (FA). Also called: Fanconi's anemia. Identifiers: Orphanet 84, MedGen C0015625, MeSH D005199, MONDO:0019391.

Submission:

Labcorp Genetics (formerly Invitae), Labcorp
Classification: Uncertain significance for Fanconi anemia. Last evaluated: 2021-04-11. Review status: criteria provided, single submitter. Criteria: Invitae Variant Classification Sherloc (09022015). Collection method: clinical testing. Allele origin: germline.
Comment: In summary, the available evidence is currently insufficient to determine the role of this variant in disease. Therefore, it has been classified as a Variant of Uncertain Significance. Algorithms developed to predict the effect of missense changes on protein structure and function output the following: SIFT: "Tolerated"; PolyPhen-2: "Benign"; Align-GVGD: "Class C0". The aspartic acid amino acid residue is found in multiple mammalian species, suggesting that this missense change does not adversely affect protein function. These predictions have not been confirmed by published functional studies and their clinical significance is uncertain. This variant has not been reported in the literature in individuals with SLX4-related conditions. This variant is not present in population databases (ExAC no frequency). This sequence change replaces glutamic acid with aspartic acid at codon 806 of the SLX4 protein (p.Glu806Asp). The glutamic acid residue is moderately conserved and there is a small physicochemical difference between glutamic acid and aspartic acid.